The following is an entry in ClinVar:

NM_013450.4(BAZ2B):c.5409A>T (p.Val1803=)

Gene: BAZ2B (bromodomain adjacent to zinc finger domain 2B; minus strand). Cytogenetic location: 2q24.2.
Variant type: single nucleotide variant.
Coding change: c.5409A>T on transcript NM_013450.4 (MANE Select); coding-DNA position 5409, A replaced by T.
Protein change: p.Val1803=; no amino-acid change (valine 1803 retained).
Molecular consequence: synonymous variant.
Genome position (GRCh38, 1-based): chr2:159,347,531, T>A on the plus strand (A>T on the coding strand, the complement: BAZ2B is on the minus strand). VCF-style: chr2-159347531-T-A. GRCh37 (hg19) VCF-style: chr2-160204042-T-A.
Other names: c.5301A>T, p.Val1767= (NM_001289975.1); c.5247A>T, p.Val1749= (NM_001329857.2); c.5334A>T, p.Val1778= (NM_001329858.2).
Identifiers: ClinVar variation 4083722 (VCV004083722.8).

ClinVar aggregate classification (germline): Likely benign (1 of 4 stars; one submission).

gnomAD v4.1: 1,310 of 1,613,884 alleles (0.081%); highest among the groups gnomAD compares: Non-Finnish European, 0.11%; no homozygotes.

Submission:

CeGaT Center for Human Genetics Tuebingen
Classification: Likely benign. Last evaluated: 2026-03-01. Review status: criteria provided, single submitter. Criteria: CeGaT Center For Human Genetics Tuebingen Variant Classification Criteria Version 2. Collection method: clinical testing. Allele origin: germline. Affected: yes. Observed: 3 variant alleles.
Comment: BAZ2B: BP4, BP7